The following is an entry in ClinVar:

ClinVar aggregate classification (germline): Uncertain significance (1 of 4 stars; one submission).

Submission:

GeneDx
Classification: Uncertain significance. Last evaluated: 2024-02-18. Review status: criteria provided, single submitter. Criteria: GeneDx Variant Classification Process June 2021. Collection method: clinical testing. Allele origin: germline. Affected: yes.
Comment: Has not been previously published as pathogenic or benign to our knowledge; Not observed at significant frequency in large population cohorts (gnomAD); In silico analysis supports that this missense variant does not alter protein structure/function

NM_020791.4(TAOK1):c.2830T>G (p.Trp944Gly)

Gene: TAOK1 (TAO kinase 1; plus strand). Cytogenetic location: 17q11.2.
Variant type: single nucleotide variant.
Coding change: c.2830T>G on transcript NM_020791.4 (MANE Select); coding-DNA position 2830, T replaced by G.
Protein change: p.Trp944Gly; replaces tryptophan 944 with glycine.
Molecular consequence: missense variant.
Genome position (GRCh38, 1-based): chr17:29,542,846, T>G. VCF-style: chr17-29542846-T-G. GRCh37 (hg19) VCF-style: chr17-27869864-T-G.
Other names: c.2386T>G, p.Trp796Gly (NM_025142.1); short protein forms W796G, W944G.
Identifiers: ClinVar variation 3369327 (VCV003369327.1).